The following is an entry in ClinVar:

ClinVar aggregate classification (germline): Uncertain significance (1 of 4 stars; one submission).

Allele frequency attached by ClinVar (database versions not stated): TOPMed 0.00002; gnomAD 0.00004; gnomAD exomes 0.00006; ExAC 0.00008; ESP Exome Variant Server 0.00008; 1000 Genomes Project 30x 0.00031; 1000 Genomes Project 0.00040.
gnomAD v4.1: 78 of 1,614,028 alleles (0.0048%); highest among the groups gnomAD compares: South Asian, 0.0099%; no homozygotes.

Submission:

Labcorp Genetics (formerly Invitae), Labcorp
Classification: Uncertain significance. Last evaluated: 2021-12-02. Review status: criteria provided, single submitter. Criteria: Invitae Variant Classification Sherloc (09022015). Collection method: clinical testing. Allele origin: germline.
Comment: This variant is present in population databases (rs145621152, gnomAD 0.01%). In summary, the available evidence is currently insufficient to determine the role of this variant in disease. Therefore, it has been classified as a Variant of Uncertain Significance. Algorithms developed to predict the effect of missense changes on protein structure and function (SIFT, PolyPhen-2, Align-GVGD) all suggest that this variant is likely to be tolerated. This variant has not been reported in the literature in individuals affected with ARNT2-related conditions. This sequence change replaces valine, which is neutral and non-polar, with isoleucine, which is neutral and non-polar, at codon 466 of the ARNT2 protein (p.Val466Ile).

NM_014862.4(ARNT2):c.1396G>A (p.Val466Ile)

Gene: ARNT2 (aryl hydrocarbon receptor nuclear translocator 2; plus strand). Cytogenetic location: 15q25.1.
Variant type: single nucleotide variant.
Coding change: c.1396G>A on transcript NM_014862.4 (MANE Select); coding-DNA position 1396, G replaced by A.
Protein change: p.Val466Ile; replaces valine 466 with isoleucine.
Molecular consequence: missense variant.
Genome position (GRCh38, 1-based): chr15:80,574,993, G>A. VCF-style: chr15-80574993-G-A. GRCh37 (hg19) VCF-style: chr15-80867334-G-A.
Other names: short protein forms V466I.
Identifiers: ClinVar variation 1474713 (VCV001474713.6), dbSNP rs145621152, ClinGen allele CA7692028.